The following is an entry in ClinVar:

ClinVar aggregate classification (germline): Uncertain significance. Review status: criteria provided, multiple submitters, no conflicts (2 of 4 stars). 2 submissions from 2 submitters: Uncertain significance (2). Last evaluated 2025-01-22.

Conditions:
Cardiovascular phenotype. Identifiers: MedGen CN230736.
Naxos disease (NXD). Also called: WOOLLY HAIR, PALMOPLANTAR KERATODERMA, AND CARDIAC ABNORMALITIES; CARDIOMYOPATHY, ARRHYTHMOGENIC RIGHT VENTRICULAR, WITH SKIN, HAIR, AND NAIL ABNORMALITIES; PALMOPLANTAR KERATODERMA WITH ARRHYTHMOGENIC RIGHT VENTRICULAR CARDIOMYOPATHY AND WOOLLY HAIR; KERATOSIS PALMOPLANTARIS WITH ARRHYTHMOGENIC CARDIOMYOPATHY; MAL DE NAXOS. Identifiers: Orphanet 34217, MedGen C1832600, MONDO:0011017, OMIM 601214.
Arrhythmogenic right ventricular dysplasia 12. Also called: ARRHYTHMOGENIC RIGHT VENTRICULAR DYSPLASIA, FAMILIAL, 12. Identifiers: MedGen C1969081, MONDO:0012684, OMIM 611528.

Allele frequency attached by ClinVar (database versions not stated): gnomAD exomes below 0.00001; ExAC 0.00001; gnomAD 0.00001; TOPMed 0.00001.
gnomAD v4.1: 3 of 1,613,118 alleles (0.00019%); highest among the groups gnomAD compares: African/African-American, 0.004%; no homozygotes.

Submissions (2):

Ambry Genetics
Classification: Uncertain significance for Cardiovascular phenotype. Last evaluated: 2025-01-22. Review status: criteria provided, single submitter. Criteria: Ambry Variant Classification Scheme 2023. Collection method: clinical testing. Allele origin: germline.
Comment: The p.L711P variant (also known as c.2132T>C), located in coding exon 13 of the JUP gene, results from a T to C substitution at nucleotide position 2132. The leucine at codon 711 is replaced by proline, an amino acid with similar properties. This amino acid position is conserved. In addition, this alteration is predicted to be tolerated by in silico analysis. Since supporting evidence is limited at this time, the clinical significance of this alteration remains unclear.

Labcorp Genetics (formerly Invitae), Labcorp
Classification: Uncertain significance for Arrhythmogenic right ventricular dysplasia 12; Naxos disease. Last evaluated: 2023-08-14. Review status: criteria provided, single submitter. Criteria: Invitae Variant Classification Sherloc (09022015). Collection method: clinical testing. Allele origin: germline.
Comment: This sequence change replaces leucine, which is neutral and non-polar, with proline, which is neutral and non-polar, at codon 711 of the JUP protein (p.Leu711Pro). This variant is present in population databases (rs782096012, gnomAD 0.007%). This variant has not been reported in the literature in individuals affected with JUP-related conditions. ClinVar contains an entry for this variant (Variation ID: 1426717). An algorithm developed to predict the effect of missense changes on protein structure and function (PolyPhen-2) suggests that this variant is likely to be tolerated. In summary, the available evidence is currently insufficient to determine the role of this variant in disease. Therefore, it has been classified as a Variant of Uncertain Significance.

NM_002230.4(JUP):c.2132T>C (p.Leu711Pro)

Gene: JUP (junction plakoglobin; minus strand). Cytogenetic location: 17q21.2.
Variant type: single nucleotide variant.
Coding change: c.2132T>C on transcript NM_002230.4 (MANE Select); coding-DNA position 2132, T replaced by C.
Protein change: p.Leu711Pro; replaces leucine 711 with proline.
Molecular consequence: missense variant.
Genome position (GRCh38, 1-based): chr17:41,755,850, A>G on the plus strand (T>C on the coding strand, the complement: JUP is on the minus strand). VCF-style: chr17-41755850-A-G. GRCh37 (hg19) VCF-style: chr17-39912102-A-G.
Other names: c.2132T>C, p.Leu711Pro (NM_001352773.2, NM_001352774.2, NM_001352775.2 and 3 more transcripts); short protein forms L711P.
Identifiers: ClinVar variation 1426717 (VCV001426717.11), dbSNP rs782096012, ClinGen allele CA8565001.